The following is an entry in ClinVar:

ClinVar aggregate classification (germline): Uncertain significance (1 of 4 stars; one submission).

Allele frequency attached by ClinVar (database versions not stated): ExAC 0.00001; gnomAD 0.00001; TOPMed 0.00001; ESP Exome Variant Server 0.00015.
gnomAD v4.1: 8 of 1,591,732 alleles (0.0005%); highest among the groups gnomAD compares: Non-Finnish European, 0.00069%; no homozygotes.

Submission:

Labcorp Genetics (formerly Invitae), Labcorp
Classification: Uncertain significance. Last evaluated: 2022-07-23. Review status: criteria provided, single submitter. Criteria: Invitae Variant Classification Sherloc (09022015). Collection method: clinical testing. Allele origin: germline.
Comment: In summary, the available evidence is currently insufficient to determine the role of this variant in disease. Therefore, it has been classified as a Variant of Uncertain Significance. Variants that disrupt the consensus splice site are a relatively common cause of aberrant splicing (PMID: 17576681, 9536098). Algorithms developed to predict the effect of sequence changes on RNA splicing suggest that this variant may disrupt the consensus splice site. This variant has not been reported in the literature in individuals affected with TSEN2-related conditions. This variant is present in population databases (rs371751002, gnomAD 0.004%). This sequence change falls in intron 6 of the TSEN2 gene. It does not directly change the encoded amino acid sequence of the TSEN2 protein. It affects a nucleotide within the consensus splice site.

Literature cited by the submitters: PubMed 17576681; PubMed 9536098.

NM_025265.4(TSEN2):c.909+3A>G

Gene: TSEN2 (tRNA splicing endonuclease subunit 2; plus strand). Cytogenetic location: 3p25.2.
Variant type: single nucleotide variant.
Coding change: c.909+3A>G on transcript NM_025265.4 (MANE Select); 3 bases into the intron after coding-DNA position 909, A replaced by G.
Molecular consequence: intron variant.
Genome position (GRCh38, 1-based): chr3:12,505,234, A>G. VCF-style: chr3-12505234-A-G. GRCh37 (hg19) VCF-style: chr3-12546733-A-G.
Other names: c.909+3A>G (NM_001321278.2, NM_001145392.2, NM_001321277.2); c.831+1450A>G (NM_001321279.2, NM_001145393.3); c.732+3A>G (NM_001145394.2).
Identifiers: ClinVar variation 2175260 (VCV002175260.3), dbSNP rs371751002, ClinGen allele CA2258638.